The following is an entry in ClinVar:

NM_001035.3(RYR2):c.12056T>C (p.Met4019Thr)

Gene: RYR2 (ryanodine receptor 2; plus strand). Cytogenetic location: 1q43.
Variant type: single nucleotide variant.
Coding change: c.12056T>C on transcript NM_001035.3 (MANE Select); coding-DNA position 12056, T replaced by C.
Protein change: p.Met4019Thr; replaces methionine 4019 with threonine.
Molecular consequence: missense variant.
Genome position (GRCh38, 1-based): chr1:237,783,768, T>C. VCF-style: chr1-237783768-T-C. GRCh37 (hg19) VCF-style: chr1-237947068-T-C.
Other names: c.12056T>C, p.Met4019Thr (LRG_402t1); short protein forms M4019T.
Identifiers: ClinVar variation 264421 (VCV000264421.8), dbSNP rs886039150, ClinGen allele CA066145.
Genomic context (GRCh38, chr1:237,783,768, plus strand): 5'-TGGTGGATATGCTTGTGGAATCTTCCAACAACGTGGAGATGATTCTCAAATTTTTTGACA[T>C]GTTCTTAAAACTAAAGGATTTGACGTCGTCTGATACTTTTAAAGAATATGACCCCGATGG-3'
Protein context (NP_001026.2, residues 4009-4029): NVEMILKFFD[Met4019Thr]FLKLKDLTSS

ClinVar aggregate classification (germline): Uncertain significance. Review status: criteria provided, multiple submitters, no conflicts (2 of 4 stars). 3 submissions from 3 submitters: Uncertain significance (3). Last evaluated 2022-02-18.

Conditions:
Cardiovascular phenotype. Identifiers: MedGen CN230736.

Allele frequency attached by ClinVar (database versions not stated): TOPMed 0.00001.

Submissions (3):

AiLife Diagnostics
Classification: Uncertain significance. Last evaluated: 2022-02-18. Review status: criteria provided, single submitter. Criteria: ACMG Guidelines, 2015. Collection method: clinical testing. Allele origin: germline. Affected: yes. Observed: 1 variant allele.

Ambry Genetics
Classification: Uncertain significance for Cardiovascular phenotype. Last evaluated: 2019-08-02. Review status: criteria provided, single submitter. Criteria: Ambry Variant Classification Scheme 2023. Collection method: clinical testing. Allele origin: germline.
Comment: The p.M4019T variant (also known as c.12056T>C), located in coding exon 90 of the RYR2 gene, results from a T to C substitution at nucleotide position 12056. The methionine at codon 4019 is replaced by threonine, an amino acid with some similar properties. This amino acid position is highly conserved in available vertebrate species, and is located within the C-terminal channel region, which is one of three regions of RYR2 that are enriched for mutations associated with CPVT (Medeiros-Domingo A. J Am Coll Cardiol. 2009 Nov; 54(22): 2065&ndash;2074). Internal structural analysis suggests that this alteration is moderately stabilizing in the closed-state structure; however, while there are no nearby pathogenic variants, it is more disruptive than more remote known pathogenic variants (Matera I. J Struct. Biol. 2010 Jun;170(3):548-64; Efremov RG. Nature. 2015 Jan;517(7532):39-43). In addition, this alteration is predicted to be deleterious by in silico analysis. Since supporting evidence is limited at this time, the clinical significance of this variant remains unclear.

Stanford Center for Inherited Cardiovascular Disease, Stanford University
Classification: Uncertain significance. Last evaluated: 2017-01-18. Review status: criteria provided, single submitter. Criteria: ACMG Guidelines, 2015. Collection method: provider interpretation. Allele origin: germline.

Literature cited by the submitters: PubMed 28086167 (cited by AiLife Diagnostics and Ambry Genetics).